The following is an entry in ClinVar:

NM_000133.4(F9):c.1144T>C (p.Cys382Arg)

Gene: F9 (coagulation factor IX; plus strand). Cytogenetic location: Xq27.1.
Variant type: single nucleotide variant.
Coding change: c.1144T>C on transcript NM_000133.4 (MANE Select); coding-DNA position 1144, T replaced by C.
Protein change: p.Cys382Arg; replaces cysteine 382 with arginine.
Molecular consequence: missense variant.
Genome position (GRCh38, 1-based): chrX:139,561,829, T>C. VCF-style: chrX-139561829-T-C. GRCh37 (hg19) VCF-style: chrX-138643988-T-C.
Other names: F9, CYS336ARG; C336R; c.1030T>C, p.Cys344Arg (NM_001313913.2); short protein forms C382R, C344R.
Identifiers: ClinVar variation 10614 (VCV000010614.4), dbSNP rs137852260, ClinGen allele CA255396.

ClinVar aggregate classification (germline): Pathogenic. Review status: criteria provided, single submitter (1 of 4 stars). 2 submissions from 2 submitters: Pathogenic (1). 1 of the submissions does not count toward it. Last evaluated 2023-05-02.

Conditions:
Thrombophilia, X-linked, due to factor 9 defect. Identifiers: MedGen C2749016, MONDO:0010432, OMIM 300807.
Hereditary factor IX deficiency disease (HEMB). Also called: F9 DEFICIENCY; FACTOR IX DEFICIENCY; Hemophilia B; Christmas Disease; PLASMA THROMBOPLASTIN COMPONENT DEFICIENCY. Identifiers: Orphanet 98879, MedGen C0008533, MeSH D002836, MONDO:0010604, OMIM 306900.

Allele frequency attached by ClinVar (database versions not stated): TOPMed 0.00001.

Submissions (2):

Labcorp Genetics (formerly Invitae), Labcorp
Classification: Pathogenic for Thrombophilia, X-linked, due to factor 9 defect; Hereditary factor IX deficiency disease. Last evaluated: 2023-05-02. Review status: criteria provided, single submitter. Criteria: Invitae Variant Classification Sherloc (09022015). Collection method: clinical testing. Allele origin: germline.
Comment: Advanced modeling of protein sequence and biophysical properties (such as structural, functional, and spatial information, amino acid conservation, physicochemical variation, residue mobility, and thermodynamic stability) performed at Invitae indicates that this missense variant is expected to disrupt F9 protein function. For these reasons, this variant has been classified as Pathogenic. ClinVar contains an entry for this variant (Variation ID: 10614). This variant is also known as p.Cys336Arg. This missense change has been observed in individuals with hemophilia B (PMID: 19699296). This variant is not present in population databases (gnomAD no frequency). This sequence change replaces cysteine, which is neutral and slightly polar, with arginine, which is basic and polar, at codon 382 of the F9 protein (p.Cys382Arg).

OMIM
Classification: Pathogenic for HEMOPHILIA B. Last evaluated: 1989-04-01. Review status: no assertion criteria provided. Collection method: literature only. Allele origin: germline. Not counted in ClinVar's aggregate classification.

Literature cited by the submitters: PubMed 19699296 (cited by Labcorp Genetics (formerly Invitae), Labcorp); PubMed 2743975 (cited by OMIM).